The following is an entry in ClinVar:

NM_144687.4(NLRP12):c.632G>A (p.Arg211His)

Gene: NLRP12 (NLR family pyrin domain containing 12; minus strand). Cytogenetic location: 19q13.42.
Variant type: single nucleotide variant.
Coding change: c.632G>A on transcript NM_144687.4 (MANE Select); coding-DNA position 632, G replaced by A.
Protein change: p.Arg211His; replaces arginine 211 with histidine.
Molecular consequence: missense variant.
Genome position (GRCh38, 1-based): chr19:53,811,027, C>T on the plus strand (G>A on the coding strand, the complement: NLRP12 is on the minus strand). VCF-style: chr19-53811027-C-T. GRCh37 (hg19) VCF-style: chr19-54314281-C-T.
Other names: c.632G>A, p.Arg211His (NM_001277126.2, NM_001277129.1); c.632G>A (NM_144687.2); short protein forms R211H.
Identifiers: ClinVar variation 565835 (VCV000565835.19), dbSNP rs374108426, ClinGen allele CA9639649.
Genomic context (GRCh38, chr19:53,811,027, plus strand): 5'-ATCACCTTGTGTGCCAGCATGGACTTGCCTATCCCTGCCGCGCCTTGCATGACCACGGTG[C>T]GCGGTGGCTCGGGGCGCTCCTCGTCTGGCTCAAAGAGGGTCTCTATCTTGATGGGGCTAG-3'
Protein context (NP_653288.1, residues 201-221): EPDEERPEPP[Arg211His]TVVMQGAAGI

ClinVar aggregate classification (germline): Uncertain significance. Review status: criteria provided, multiple submitters, no conflicts (2 of 4 stars). 5 submissions from 5 submitters: Uncertain significance (5). Last evaluated 2025-08-10.

Conditions:
Autoinflammatory syndrome. Identifiers: Orphanet 93665, MedGen C3890737, MONDO:0019751.
Familial cold autoinflammatory syndrome 2 (FCAS2). Identifiers: Orphanet 247868, MedGen C2673198, MONDO:0012724, OMIM 611762.
NLRP12-related disorder. Also called: NLRP12-related condition; NLRP12-related conditions.

Allele frequency attached by ClinVar (database versions not stated): gnomAD 0.00002; ExAC 0.00003; TOPMed 0.00003; gnomAD exomes 0.00004; ESP Exome Variant Server 0.00008.

Submissions (5):

Labcorp Genetics (formerly Invitae), Labcorp
Classification: Uncertain significance for Familial cold autoinflammatory syndrome 2. Last evaluated: 2025-08-10. Review status: criteria provided, single submitter. Criteria: Invitae Variant Classification Sherloc (09022015). Collection method: clinical testing. Allele origin: germline.
Comment: This sequence change replaces arginine, which is basic and polar, with histidine, which is basic and polar, at codon 211 of the NLRP12 protein (p.Arg211His). This variant is present in population databases (rs374108426, gnomAD 0.007%). This missense change has been observed in individual(s) with familial cold autoinflammatory syndrome (PMID: 29500522). ClinVar contains an entry for this variant (Variation ID: 565835). An algorithm developed to predict the effect of missense changes on protein structure and function outputs the following: PolyPhen-2: "Benign". The histidine amino acid residue is found in multiple mammalian species, which suggests that this missense change does not adversely affect protein function. In summary, the available evidence is currently insufficient to determine the role of this variant in disease. Therefore, it has been classified as a Variant of Uncertain Significance.

GeneDx
Classification: Uncertain significance. Last evaluated: 2024-12-27. Review status: criteria provided, single submitter. Criteria: GeneDx Variant Classification Process June 2021. Collection method: clinical testing. Allele origin: germline. Affected: yes.
Comment: Identified in a patient with periodic fever, abdominal pain, relapsed aphthous stomatitis, and infection susceptibility in published literature (PMID: 29500522); In silico analysis indicates that this missense variant does not alter protein structure/function; This variant is associated with the following publications: (PMID: 34426522, 32725138, 35123508, 30858956, 29500522)

PreventionGenetics, part of Exact Sciences
Classification: Uncertain significance for NLRP12-related condition. Last evaluated: 2024-12-24. Review status: criteria provided, single submitter. Criteria: ACMG Guidelines, 2015. Collection method: clinical testing. Allele origin: germline.
Comment: The NLRP12 c.632G>A variant is predicted to result in the amino acid substitution p.Arg211His. This variant, in addition to other variants in NLRP3 and NOD2, was reported in an individual with NLRP12-related autoinflammatory disease (P3, Kostik et al. 2018. PubMed ID: 29500522). This variant is reported in 0.0065% of alleles in individuals of South Asian descent in gnomAD. At this time, the clinical significance of this variant is uncertain due to the absence of conclusive functional and genetic evidence.

Laboratorio de Genetica e Diagnostico Molecular, Hospital Israelita Albert Einstein
Classification: Uncertain significance for Familial cold autoinflammatory syndrome 2. Last evaluated: 2023-05-11. Review status: criteria provided, single submitter. Criteria: ACMG Guidelines, 2015. Collection method: clinical testing. Allele origin: germline. Affected: yes.
Comment: ACMG classification criteria: BP4 supporting

Genome Diagnostics Laboratory, The Hospital for Sick Children
Classification: Uncertain significance for Autoinflammatory syndrome. Last evaluated: 2021-11-26. Review status: criteria provided, single submitter. Criteria: ACMG Guidelines, 2015. Collection method: clinical testing. Allele origin: germline. Affected: yes.

Literature cited by the submitters: PubMed 29500522 (cited by Labcorp Genetics (formerly Invitae), Labcorp).